The following is an entry in ClinVar:

NM_018124.4(RFWD3):c.1072A>G (p.Met358Val)

Gene: RFWD3 (ring finger and WD repeat domain 3; minus strand). Cytogenetic location: 16q23.1.
Variant type: single nucleotide variant.
Coding change: c.1072A>G on transcript NM_018124.4 (MANE Select); coding-DNA position 1072, A replaced by G.
Protein change: p.Met358Val; replaces methionine 358 with valine.
Molecular consequence: missense variant.
Genome position (GRCh38, 1-based): chr16:74,644,369, T>C on the plus strand (A>G on the coding strand, the complement: RFWD3 is on the minus strand). VCF-style: chr16-74644369-T-C. GRCh37 (hg19) VCF-style: chr16-74678267-T-C.
Other names: c.1072A>G, p.Met358Val (NM_001370534.1, NM_001370535.1, NM_001370536.1); c.238A>G, p.Met80Val (NM_001370537.1, NM_001370539.1, NM_001370540.1 and 2 more transcripts); short protein forms M80V, M358V.
Identifiers: ClinVar variation 4752457 (VCV004752457.1).
Genomic context (GRCh38, chr16:74,644,369, plus strand): 5'-CCTACAATGAACCAAAAGGGAACATTCCAGCCAGGCATACTCTTACCACCTACCTTTTCA[T>C]GCGCTCCTGTTCACTAGTGTCCAAAGCTCTCAGGGTTCGGGCATAAAGGACGACAATGTC-3'
Protein context (NP_060594.3, residues 348-368): RALDTSEQER[Met358Val]KSSLLKEQML

ClinVar aggregate classification (germline): Uncertain significance (1 of 4 stars; one submission).

gnomAD v4.1: 89 of 1,614,104 alleles (0.0055%); highest among the groups gnomAD compares: Non-Finnish European, 0.0073%; no homozygotes.

Submission:

Labcorp Genetics (formerly Invitae), Labcorp
Classification: Uncertain significance. Last evaluated: 2025-07-22. Review status: criteria provided, single submitter. Criteria: Invitae Variant Classification Sherloc (09022015). Collection method: clinical testing. Allele origin: germline.
Comment: This sequence change replaces methionine, which is neutral and non-polar, with valine, which is neutral and non-polar, at codon 358 of the RFWD3 protein (p.Met358Val). This variant is present in population databases (rs190667525, gnomAD 0.004%). This variant has not been reported in the literature in individuals affected with RFWD3-related conditions. An algorithm developed to predict the effect of missense changes on protein structure and function outputs the following: PolyPhen-2: "Benign". The valine amino acid residue is found in multiple mammalian species, which suggests that this missense change does not adversely affect protein function. In summary, the available evidence is currently insufficient to determine the role of this variant in disease. Therefore, it has been classified as a Variant of Uncertain Significance.